The following is an entry in ClinVar:

NM_002474.3(MYH11):c.5626A>C (p.Asn1876His)

Genes: MYH11 (myosin heavy chain 11; minus strand), NDE1 (nudE neurodevelopment protein 1; plus strand). Cytogenetic location: 16p13.11.
Variant type: single nucleotide variant.
Coding change: c.5626A>C on transcript NM_002474.3 (MANE Select); coding-DNA position 5626, A replaced by C.
Protein change: p.Asn1876His; replaces asparagine 1876 with histidine.
Molecular consequence: missense variant. On other transcripts: intron variant (2).
Genome position (GRCh38, 1-based): chr16:15,715,069, T>G on the plus strand (A>C on the coding strand, the complement: MYH11 is on the minus strand). VCF-style: chr16-15715069-T-G. GRCh37 (hg19) VCF-style: chr16-15808926-T-G.
Other names: c.5647A>C, p.Asn1883His (NM_001040113.2, NM_001040114.2); c.5626A>C, p.Asn1876His (NM_022844.3); c.948-9122T>G (NM_001143979.2, NM_017668.3); short protein forms N1876H, N1883H.
Identifiers: ClinVar variation 4756607 (VCV004756607.1).
Genomic context (GRCh38, chr16:15,715,069, plus strand): 5'-TGCGCTGGGACTCCTCCTCTGCCTCCTCCAGCTGCCTCTTGAGCTGCTTGACCCTGGCAT[T>G]GCCTTTCTCTGCCTGTCGCGGAGAGTTGGAGGGGTGGTTAGGGGAGGCCGGCTGGGGGCT-3'
Protein context (NP_002465.1, residues 1866-1886): EQYKEQAEKG[Asn1876His]ARVKQLKRQL

ClinVar aggregate classification (germline): Uncertain significance (1 of 4 stars; one submission).

Conditions:
Familial thoracic aortic aneurysm and aortic dissection (TAAD). Also called: Thoracic aortic aneurysms and dissections. Identifiers: Orphanet 91387, MedGen C4707243, MONDO:0019625.

Submission:

Color Diagnostics, LLC DBA Color Health
Classification: Uncertain significance for Familial thoracic aortic aneurysm and aortic dissection. Last evaluated: 2025-04-19. Review status: criteria provided, single submitter. Criteria: ACMG Guidelines, 2015. Collection method: clinical testing. Allele origin: germline.
Comment: This missense variant replaces asparagine with histidine at codon 1883 of the MYH11 protein. Computational prediction suggests that this variant may not impact protein structure and function. To our knowledge, functional studies have not been reported for this variant. This variant has not been reported in individuals affected with MYH11-related disorders in the literature. This variant has not been identified in the general population by the Genome Aggregation Database (gnomAD). The available evidence is insufficient to determine the role of this variant in disease conclusively. Therefore, this variant is classified as a Variant of Uncertain Significance.